The following is an entry in ClinVar:

NM_005559.4(LAMA1):c.5062C>T (p.Pro1688Ser)

Gene: LAMA1 (laminin subunit alpha 1; minus strand). Cytogenetic location: 18p11.31.
Variant type: single nucleotide variant.
Coding change: c.5062C>T on transcript NM_005559.4 (MANE Select); coding-DNA position 5062, C replaced by T.
Protein change: p.Pro1688Ser; replaces proline 1688 with serine.
Molecular consequence: missense variant.
Genome position (GRCh38, 1-based): chr18:6,992,667, G>A on the plus strand (C>T on the coding strand, the complement: LAMA1 is on the minus strand). VCF-style: chr18-6992667-G-A. GRCh37 (hg19) VCF-style: chr18-6992666-G-A.
Other names: short protein forms P1688S.
Identifiers: ClinVar variation 1981856 (VCV001981856.4), dbSNP rs1355368277, ClinGen allele CA401841330.
Genomic context (GRCh38, chr18:6,992,667, plus strand): 5'-TCTGCATGATTTCTAGCAAAGATGTACCATTCTGTTGCATGTTCTGAAGAGTAGAATTGG[G>A]TAGTAGGAAATCTTCATCCAAAGTCTGATTTAAAGTTGTCTTTTCCATAATTTCTATGGA-3'
Protein context (NP_005550.2, residues 1678-1698): NQTLDEDFLL[Pro1688Ser]NSTLQNMQQN

ClinVar aggregate classification (germline): Uncertain significance (1 of 4 stars; one submission).

gnomAD v4.1: 11 of 1,613,556 alleles (0.00068%); highest among the groups gnomAD compares: South Asian, 0.011%; 1 homozygote.

Submission:

Labcorp Genetics (formerly Invitae), Labcorp
Classification: Uncertain significance. Last evaluated: 2022-08-10. Review status: criteria provided, single submitter. Criteria: Invitae Variant Classification Sherloc (09022015). Collection method: clinical testing. Allele origin: germline.
Comment: In summary, the available evidence is currently insufficient to determine the role of this variant in disease. Therefore, it has been classified as a Variant of Uncertain Significance. Algorithms developed to predict the effect of missense changes on protein structure and function (SIFT, PolyPhen-2, Align-GVGD) all suggest that this variant is likely to be tolerated. This variant has not been reported in the literature in individuals affected with LAMA1-related conditions. This variant is present in population databases (no rsID available, gnomAD 0.003%). This sequence change replaces proline, which is neutral and non-polar, with serine, which is neutral and polar, at codon 1688 of the LAMA1 protein (p.Pro1688Ser).